The following is an entry in ClinVar:

ClinVar aggregate classification (germline): Uncertain significance (1 of 4 stars; one submission).

Conditions:
FRMPD4-related disorder. Also called: FRMPD4-related condition.

Submission:

PreventionGenetics, part of Exact Sciences
Classification: Uncertain significance for FRMPD4-related condition. Last evaluated: 2026-05-09. Review status: criteria provided, single submitter. Criteria: ACMG Guidelines, 2015. Collection method: clinical testing. Allele origin: germline.
Comment: The FRMPD4 c.3450_3452delCTT variant is predicted to result in an in-frame deletion (p.Phe1150del). To our knowledge, this variant has not been reported in the literature or in a large population database (gnomAD), indicating this variant is rare. At this time, the clinical significance of this variant is uncertain due to the absence of conclusive functional and genetic evidence.

NM_001368397.1(FRMPD4):c.3447CTT[1] (p.Phe1150del)

Gene: FRMPD4 (FERM and PDZ domain containing 4; plus strand). Cytogenetic location: Xp22.2.
Variant type: Microsatellite.
Coding change: c.3447CTT[1] on transcript NM_001368397.1 (MANE Select); one copy of the 3-base unit CTT starting at c.3447; the reference has two copies in a row; one copy, 3 bases deleted.
Protein change: p.Phe1150del; deletes phenylalanine 1150.
Molecular consequence: inframe deletion.
Genome position (GRCh38, 1-based): chrX:12,718,276-12,718,278, CTT deleted; deleting any 3 consecutive bases within chrX:12,718,273-12,718,278 gives the same sequence; the position shown is the placement nearest the transcript's 3' end. VCF-style (leftmost placement, unchanged base first): chrX-12718272-GCTT-G. GRCh37 (hg19) VCF-style: chrX-12736391-GCTT-G.
Other names: c.3558CTT[1], p.Phe1187del (NM_001368398.3, NM_001368395.3); c.3438CTT[1], p.Phe1147del (NM_001368399.3); c.3327CTT[1], p.Phe1110del (NM_001368400.3); c.3423CTT[1], p.Phe1142del (NM_001368401.1, NM_001368402.3); c.3447CTT[1], p.Phe1150del (NM_014728.3); c.3450_3452delCTT (NM_014728.3); c.3453CTT[1], p.Phe1152del (NM_001368396.3); short protein forms F1187del, F1147del, F1150del, F1152del, F1110del, F1142del.
Identifiers: ClinVar variation 4995075 (VCV004995075.1).
Genomic context (GRCh38, chrX:12,718,272, plus strand): 5'-AGGAAGAAGGAGCTCCTGATGGAGAAACCAGTGATGGCTCAGGACTTGGTCAAGGGGACC[GCTT>G]CTTAACTGACGTGACCTGTGCATCTTCAGCCAAAGACTTAGATAACCCAGAGGACGCTGA-3'